The following is an entry in ClinVar:

ClinVar aggregate classification (germline): Pathogenic (1 of 4 stars; one submission).

Submission:

Labcorp Genetics (formerly Invitae), Labcorp
Classification: Pathogenic. Last evaluated: 2020-10-29. Review status: criteria provided, single submitter. Criteria: Invitae Variant Classification Sherloc (09022015). Collection method: clinical testing. Allele origin: germline.
Comment: For these reasons, this variant has been classified as Pathogenic. This variant disrupts the triple helix domain of COL2A1. Glycine residues within the Gly-Xaa-Yaa repeats of the triple helix domain are required for the structure and stability of fibrillar collagens (PMID: 7695699, 8218237, 19344236). In COL2A1, variants affecting these glycine residues are significantly enriched in individuals with disease (PMID: 9016532, 17078022) compared to the general population (ExAC). This variant has not been reported in the literature in individuals with COL2A1-related conditions. This variant is not present in population databases (ExAC no frequency). This variant results in the deletion of part of exons 50-51 (c.3501_3608del) of the COL2A1 gene. This variant would be expected to be in-frame, preserving the integrity of the reading frame.

Literature cited by the submitters: PubMed 7695699; PubMed 8218237; PubMed 19344236; PubMed 9016532; PubMed 17078022.

NC_000012.12:g.47975611_47976075del

Gene: COL2A1 (collagen type II alpha 1 chain; minus strand). Cytogenetic location: 12q13.11.
Variant type: Deletion.
Genome position: GRCh38: chr12:47,975,611-47,976,075. GRCh37 (hg19): chr12:48,369,394-48,369,858.
Identifiers: ClinVar variation 1428682 (VCV001428682.8), ClinGen allele CA2573148599.